The following is an entry in ClinVar:

NM_198578.4(LRRK2):c.5282G>A (p.Ser1761Asn)

Gene: LRRK2 (leucine rich repeat kinase 2; plus strand). Cytogenetic location: 12q12.
Variant type: single nucleotide variant.
Coding change: c.5282G>A on transcript NM_198578.4 (MANE Select); coding-DNA position 5282, G replaced by A.
Protein change: p.Ser1761Asn; replaces serine 1761 with asparagine.
Molecular consequence: missense variant.
Genome position (GRCh38, 1-based): chr12:40,322,146, G>A. VCF-style: chr12-40322146-G-A. GRCh37 (hg19) VCF-style: chr12-40715948-G-A.
Other names: short protein forms S1761N.
Identifiers: ClinVar variation 1746577 (VCV001746577.2), dbSNP rs772780153, ClinGen allele CA6514407.

ClinVar aggregate classification (germline): Uncertain significance (1 of 4 stars; one submission).

Conditions:
Inborn genetic diseases. Identifiers: MedGen C0950123, MeSH D030342.

Allele frequency attached by ClinVar (database versions not stated): gnomAD exomes below 0.00001; ExAC 0.00002.
gnomAD v4.1: 2 of 1,612,346 alleles (0.00012%); highest among the groups gnomAD compares: South Asian, 0.0011%; no homozygotes.

Submission:

Ambry Genetics
Classification: Uncertain significance for Inborn genetic diseases. Last evaluated: 2022-10-12. Review status: criteria provided, single submitter. Criteria: Ambry Variant Classification Scheme 2023. Collection method: clinical testing. Allele origin: germline.
Comment: The p.S1761N variant (also known as c.5282G>A), located in coding exon 36 of the LRRK2 gene, results from a G to A substitution at nucleotide position 5282. The serine at codon 1761 is replaced by asparagine, an amino acid with highly similar properties. This amino acid position is conserved. In addition, this alteration is predicted to be tolerated by in silico analysis. Since supporting evidence is limited at this time, the clinical significance of this alteration remains unclear.